The following is an entry in ClinVar:

NM_015046.7(SETX):c.7725G>A (p.Pro2575=)

Gene: SETX (senataxin; minus strand). Cytogenetic location: 9q34.13.
Variant type: single nucleotide variant.
Coding change: c.7725G>A on transcript NM_015046.7 (MANE Select); coding-DNA position 7725, G replaced by A.
Protein change: p.Pro2575=; no amino-acid change (proline 2575 retained).
Molecular consequence: synonymous variant.
Genome position (GRCh38, 1-based): chr9:132,264,548, C>T on the plus strand (G>A on the coding strand, the complement: SETX is on the minus strand). VCF-style: chr9-132264548-C-T. GRCh37 (hg19) VCF-style: chr9-135139935-C-T.
Other names: c.7725G>A, p.Pro2575= (NM_001351527.2); c.7812G>A, p.Pro2604= (NM_001351528.2).
Identifiers: ClinVar variation 1156256 (VCV001156256.42), dbSNP rs201695580, ClinGen allele CA5296345.

ClinVar aggregate classification (germline): Likely benign. Review status: criteria provided, multiple submitters, no conflicts (2 of 4 stars). 5 submissions from 4 submitters: Likely benign (5). Last evaluated 2026-04-01.

Conditions:
Amyotrophic lateral sclerosis type 4 (ALS4). Also called: AMYOTROPHIC LATERAL SCLEROSIS 4, JUVENILE; NEURONOPATHY, DISTAL HEREDITARY MOTOR, WITH PYRAMIDAL FEATURES. Identifiers: Orphanet 357043, MedGen C1865409, MONDO:0011223, OMIM 602433.
Spinocerebellar ataxia, autosomal recessive, with axonal neuropathy 2 (SCAN2). Also called: Ataxia with Oculomotor Apraxia; ATAXIA-OCULOMOTOR APRAXIA 2; Ataxia-ocular apraxia-2; Ataxia with Oculomotor Apraxia Type 2. Identifiers: Orphanet 64753, MedGen C1853761, MONDO:0018996, OMIM 606002.

gnomAD v4.1: 121 of 1,613,846 alleles (0.0075%); highest among the groups gnomAD compares: Non-Finnish European, 0.0086%; no homozygotes.

Submissions (5):

CeGaT Center for Human Genetics Tuebingen
Classification: Likely benign. Last evaluated: 2026-04-01. Review status: criteria provided, single submitter. Criteria: CeGaT Center For Human Genetics Tuebingen Variant Classification Criteria Version 2. Collection method: clinical testing. Allele origin: germline. Affected: yes. Observed: 3 variant alleles.
Comment: SETX: BP4, BP7

Women's Health and Genetics/Laboratory Corporation of America, LabCorp
Classification: Likely benign. Last evaluated: 2025-12-15. Review status: criteria provided, single submitter. Criteria: LabCorp Variant Classification Summary - May 2015. Collection method: clinical testing. Allele origin: germline.

Labcorp Genetics (formerly Invitae), Labcorp
Classification: Likely benign for Amyotrophic lateral sclerosis type 4; Spinocerebellar ataxia, autosomal recessive, with axonal neuropathy 2. Last evaluated: 2024-04-10. Review status: criteria provided, single submitter. Criteria: Invitae Variant Classification Sherloc (09022015). Collection method: clinical testing. Allele origin: germline.

Genome-Nilou Lab
Classification: Likely benign for Spinocerebellar ataxia, autosomal recessive, with axonal neuropathy 2. Last evaluated: 2023-02-08. Review status: criteria provided, single submitter. Criteria: ACMG Guidelines, 2015. Collection method: clinical testing. Allele origin: germline.

Genome-Nilou Lab
Classification: Likely benign for Amyotrophic lateral sclerosis type 4. Last evaluated: 2023-02-08. Review status: criteria provided, single submitter. Criteria: ACMG Guidelines, 2015. Collection method: clinical testing. Allele origin: germline.